The following is an entry in ClinVar:

ClinVar aggregate classification (germline): Uncertain significance. Review status: criteria provided, multiple submitters, no conflicts (2 of 4 stars). 4 submissions from 4 submitters: Uncertain significance (4). Last evaluated 2024-05-09.

Conditions:
Maturity-onset diabetes of the young type 8 (MODY8). Also called: DIABETES-PANCREATIC EXOCRINE DYSFUNCTION SYNDROME; DIABETES AND PANCREATIC EXOCRINE DYSFUNCTION. Identifiers: Orphanet 552, MedGen C1853297, MONDO:0012348, OMIM 609812.

Allele frequency attached by ClinVar (database versions not stated): gnomAD exomes below 0.00001; gnomAD 0.00002; TOPMed 0.00002.

Submissions (4):

Fulgent Genetics
Classification: Uncertain significance for Maturity-onset diabetes of the young type 8. Last evaluated: 2024-05-09. Review status: criteria provided, single submitter. Criteria: ACMG Guidelines, 2015. Collection method: clinical testing. Allele origin: germline.

GeneDx
Classification: Uncertain significance. Last evaluated: 2024-01-29. Review status: criteria provided, single submitter. Criteria: GeneDx Variant Classification Process June 2021. Collection method: clinical testing. Allele origin: germline. Affected: yes.
Comment: Not observed at significant frequency in large population cohorts (gnomAD); Has not been previously published as pathogenic or benign to our knowledge; Canonical splice site variant in a gene for which loss-of-function is not an established mechanism of disease

New York Genome Center
Classification: Uncertain significance for Maturity-onset diabetes of the young type 8. Last evaluated: 2022-04-08. Review status: criteria provided, single submitter. Criteria: NYGC Assertion Criteria 2020. Collection method: clinical testing. Allele origin: germline. Observed: 1 heterozygote.

AiLife Diagnostics
Classification: Uncertain significance. Last evaluated: 2022-02-16. Review status: criteria provided, single submitter. Criteria: ACMG Guidelines, 2015. Collection method: clinical testing. Allele origin: germline. Affected: yes. Observed: 1 variant allele.

NM_001807.6(CEL):c.895+2dup

Gene: CEL (carboxyl ester lipase; plus strand). Cytogenetic location: 9q34.13.
Variant type: Duplication.
Coding change: c.895+2dup on transcript NM_001807.6 (MANE Select); the canonical splice donor site of the intron after coding-DNA position 895, one base duplicated (T; older notation c.895+2dupT).
Molecular consequence: splice donor variant.
Genome position (GRCh38, 1-based): chr9:133,067,207, T duplicated. VCF-style (leftmost placement, unchanged base first): chr9-133067206-G-GT. GRCh37 (hg19) VCF-style: chr9-135942593-G-GT.
Other names: c.895+2dup (NM_001807.5).
Identifiers: ClinVar variation 1677928 (VCV001677928.5), dbSNP rs1027973097, ClinGen allele CA200922538.